The following is an entry in ClinVar:

ClinVar aggregate classification (germline): Uncertain significance. Review status: criteria provided, multiple submitters, no conflicts (2 of 4 stars). 2 submissions from 2 submitters: Uncertain significance (2). Last evaluated 2025-11-07.

Conditions:
Inborn genetic diseases. Identifiers: MedGen C0950123, MeSH D030342.

Allele frequency attached by ClinVar (database versions not stated): gnomAD exomes 0.00001; TOPMed 0.00001.

Submissions (2):

Ambry Genetics
Classification: Uncertain significance for Inborn genetic diseases. Last evaluated: 2025-11-07. Review status: criteria provided, single submitter. Criteria: Ambry Variant Classification Scheme 2023. Collection method: clinical testing. Allele origin: germline.

GeneDx
Classification: Uncertain significance. Last evaluated: 2023-01-10. Review status: criteria provided, single submitter. Criteria: GeneDx Variant Classification Process June 2021. Collection method: clinical testing. Allele origin: germline. Affected: yes.
Comment: Not observed at significant frequency in large population cohorts (gnomAD); In silico analysis supports that this missense variant has a deleterious effect on protein structure/function; Has not been previously published as pathogenic or benign to our knowledge

NM_032108.4(SEMA6B):c.2555G>A (p.Gly852Asp)

Gene: SEMA6B (semaphorin 6B; minus strand). Cytogenetic location: 19p13.3.
Variant type: single nucleotide variant.
Coding change: c.2555G>A on transcript NM_032108.4 (MANE Select); coding-DNA position 2555, G replaced by A.
Protein change: p.Gly852Asp; replaces glycine 852 with aspartic acid.
Molecular consequence: missense variant.
Genome position (GRCh38, 1-based): chr19:4,543,713, C>T on the plus strand (G>A on the coding strand, the complement: SEMA6B is on the minus strand). VCF-style: chr19-4543713-C-T. GRCh37 (hg19) VCF-style: chr19-4543725-C-T.
Other names: short protein forms G852D.
Identifiers: ClinVar variation 2571978 (VCV002571978.2), dbSNP rs1977082563, ClinGen allele CA403460128.